The following is an entry in ClinVar:

ClinVar aggregate classification (germline): Likely pathogenic (1 of 4 stars; one submission).

Conditions:
Neurodegeneration with brain iron accumulation 5 (NBIA5). Also called: Beta-propeller protein-associated neurodegeneration; STATIC ENCEPHALOPATHY OF CHILDHOOD WITH NEURODEGENERATION IN ADULTHOOD. Identifiers: Orphanet 329284, MedGen C3550973, MONDO:0010476, OMIM 300894.

Submission:

Labcorp Genetics (formerly Invitae), Labcorp
Classification: Likely pathogenic for Neurodegeneration with brain iron accumulation 5. Last evaluated: 2020-09-08. Review status: criteria provided, single submitter. Criteria: Invitae Variant Classification Sherloc (09022015). Collection method: clinical testing. Allele origin: germline.
Comment: In summary, the currently available evidence indicates that the variant is pathogenic, but additional data are needed to prove that conclusively. Therefore, this variant has been classified as Likely Pathogenic. Algorithms developed to predict the effect of sequence changes on RNA splicing suggest that this variant may disrupt the consensus splice site, but this prediction has not been confirmed by published transcriptional studies. This variant has been observed in individual(s) with clinical features of WDR45-related conditions (Invitae). In at least one individual the variant was observed to be de novo. This variant is not present in population databases (ExAC no frequency). This sequence change falls in intron 9 of the WDR45 gene. It does not directly change the encoded amino acid sequence of the WDR45 protein.

NM_001029896.2(WDR45):c.726-17_726-6del

Gene: WDR45 (WD repeat domain 45; minus strand). Cytogenetic location: Xp11.23.
Variant type: Deletion.
Coding change: c.726-17_726-6del on transcript NM_001029896.2 (MANE Select); 17 bases into the intron before coding-DNA position 726 through 6 bases into the intron before coding-DNA position 726, 12 bases deleted (GCTGATCTGTCT).
Molecular consequence: intron variant.
Genome position (GRCh38, 1-based): chrX:49,075,471-49,075,482, AGACAGATCAGC deleted on the plus strand (GCTGATCTGTCT on the coding strand, the reverse complement: WDR45 is on the minus strand); deleting any 12 consecutive bases within chrX:49,075,471-49,075,484 gives the same sequence; the c. name uses the placement nearest the transcript's 3' end. VCF-style (leftmost placement, unchanged base first): chrX-49075470-AAGACAGATCAGC-A. GRCh37 (hg19) VCF-style: chrX-48933129-AAGACAGATCAGC-A.
Other names: c.729-17_729-6del (NM_007075.4).
Identifiers: ClinVar variation 1067285 (VCV001067285.9), dbSNP rs2147815209, ClinGen allele CA2499226756.